The following is an entry in ClinVar:

NM_000392.5(ABCC2):c.705C>G (p.Thr235=)

Gene: ABCC2 (ATP binding cassette subfamily C member 2; plus strand). Cytogenetic location: 10q24.2.
Variant type: single nucleotide variant.
Coding change: c.705C>G on transcript NM_000392.5 (MANE Select); coding-DNA position 705, C replaced by G.
Protein change: p.Thr235=; no amino-acid change (threonine 235 retained).
Molecular consequence: synonymous variant.
Genome position (GRCh38, 1-based): chr10:99,797,169, C>G. VCF-style: chr10-99797169-C-G. GRCh37 (hg19) VCF-style: chr10-101556926-C-G.
Identifiers: ClinVar variation 4991814 (VCV004991814.1).

ClinVar aggregate classification (germline): Likely benign (1 of 4 stars; one submission).

Conditions:
ABCC2-related disorder. Also called: ABCC2-related condition.

Submission:

PreventionGenetics, part of Exact Sciences
Classification: Likely benign for ABCC2-related condition. Last evaluated: 2025-12-14. Review status: criteria provided, single submitter. Criteria: ACMG Guidelines, 2015. Collection method: clinical testing. Allele origin: germline.
Comment: This variant is classified as likely benign based on ACMG/AMP sequence variant interpretation guidelines (Richards et al. 2015 PMID: 25741868, with internal and published modifications).